The following is an entry in ClinVar:

NM_002609.4(PDGFRB):c.1021G>C (p.Glu341Gln)

Gene: PDGFRB (platelet derived growth factor receptor beta; minus strand). Cytogenetic location: 5q32.
Variant type: single nucleotide variant.
Coding change: c.1021G>C on transcript NM_002609.4 (MANE Select); coding-DNA position 1021, G replaced by C.
Protein change: p.Glu341Gln; replaces glutamic acid 341 with glutamine.
Molecular consequence: missense variant.
Genome position (GRCh38, 1-based): chr5:150,132,856, C>G on the plus strand (G>C on the coding strand, the complement: PDGFRB is on the minus strand). VCF-style: chr5-150132856-C-G. GRCh37 (hg19) VCF-style: chr5-149512419-C-G.
Other names: c.829G>C, p.Glu277Gln (NM_001355016.2); c.538G>C, p.Glu180Gln (NM_001355017.2); short protein forms E277Q, E180Q, E341Q.
Identifiers: ClinVar variation 4791230 (VCV004791230.1).

ClinVar aggregate classification (germline): Uncertain significance (1 of 4 stars; one submission).

Conditions:
Skeletal overgrowth-craniofacial dysmorphism-hyperelastic skin-white matter lesions syndrome. Also called: SKELETAL OVERGROWTH WITH FACIAL DYSMORPHISM, HYPERELASTIC SKIN, WHITE MATTER LESIONS, AND NEUROLOGIC DETERIORATION; Kosaki overgrowth syndrome. Identifiers: Orphanet 477831, MedGen C4225270, MONDO:0014704, OMIM 616592.
Acroosteolysis-keloid-like lesions-premature aging syndrome. Also called: Premature aging syndrome, Penttinen type; Prematurely aged appearance, delayed bone maturation, acro-osteolysis, and brachydactyly; Progeroid syndrome, Penttinen type. Identifiers: Orphanet 363665, MedGen C1866182, MONDO:0011150, OMIM 601812.
Infantile myofibromatosis (IMF). Also called: Congenital generalized fibromatosis. Identifiers: Orphanet 2591, MedGen C0432284, MONDO:0016824.
Basal ganglia calcification, idiopathic, 4 (PFBC4). Also called: Familial Idiopathic Basal Ganglia Calcification 4; PRIMARY FAMILIAL BRAIN CALCIFICATION 4, AUTOSOMAL DOMINANT. Identifiers: Orphanet 1980, MedGen C3554321, MONDO:0014004, OMIM 615007.

gnomAD v4.1: 4 of 1,607,216 alleles (0.00025%); highest among the groups gnomAD compares: Non-Finnish European, 0.00034%; no homozygotes.

Submission:

Labcorp Genetics (formerly Invitae), Labcorp
Classification: Uncertain significance for Basal ganglia calcification, idiopathic, 4; Skeletal overgrowth-craniofacial dysmorphism-hyperelastic skin-white matter lesions syndrome; Infantile myofibromatosis; Acroosteolysis-keloid-like lesions-premature aging syndrome. Last evaluated: 2025-12-01. Review status: criteria provided, single submitter. Criteria: Invitae Variant Classification Sherloc (09022015). Collection method: clinical testing. Allele origin: germline.
Comment: This sequence change replaces glutamic acid, which is acidic and polar, with glutamine, which is neutral and polar, at codon 341 of the PDGFRB protein (p.Glu341Gln). This variant is not present in population databases (gnomAD no frequency). This variant has not been reported in the literature in individuals affected with PDGFRB-related conditions. Invitae Evidence Modeling of protein sequence and biophysical properties (such as structural, functional, and spatial information, amino acid conservation, physicochemical variation, residue mobility, and thermodynamic stability) indicates that this missense variant is not expected to disrupt PDGFRB protein function with a negative predictive value of 80%. In summary, the available evidence is currently insufficient to determine the role of this variant in disease. Therefore, it has been classified as a Variant of Uncertain Significance.